The following is an entry in ClinVar:

NM_014297.5(ETHE1):c.1A>G (p.Met1Val)

Genes: ETHE1 (ETHE1 persulfide dioxygenase; minus strand), LOC130064595 (ATAC-STARR-seq lymphoblastoid silent region 10721; plus strand). Cytogenetic location: 19q13.31.
Variant type: single nucleotide variant.
Coding change: c.1A>G on transcript NM_014297.5 (MANE Select); coding-DNA position 1, A replaced by G.
Protein change: p.Met1Val; changes the start codon (methionine 1).
Molecular consequence: missense variant, initiator codon variant. On other transcripts: 5 prime UTR variant (1).
Genome position (GRCh38, 1-based): chr19:43,527,177, T>C on the plus strand (A>G on the coding strand, the complement: ETHE1 is on the minus strand). VCF-style: chr19-43527177-T-C. GRCh37 (hg19) VCF-style: chr19-44031329-T-C.
Other names: c.1A>G, p.Met1Val (NM_001320867.2, NM_001320869.2); c.-220A>G (NM_001320868.2); short protein forms M1V.
Identifiers: ClinVar variation 4815653 (VCV004815653.1).

ClinVar aggregate classification (germline): Likely pathogenic (1 of 4 stars; one submission).

Conditions:
Ethylmalonic encephalopathy (EE). Also called: EPEMA syndrome; Encephalopathy, petechiae, and ethylmalonic aciduria; Syndrome of encephalopathy, petechiae, and ethylmalonic aciduria. Identifiers: Orphanet 51188, MedGen C1865349, MONDO:0011229, OMIM 602473. Disease mechanism: loss of function.

Submission:

Natera, Inc.
Classification: Likely pathogenic for Ethylmalonic encephalopathy. Last evaluated: 2024-06-18. Review status: criteria provided, single submitter. Criteria: Natera Variant Classification Schema (03/2026). Collection method: clinical testing. Allele origin: germline.
Comment: The c.1A>G variant in ETHE1 is predicted to result in start loss due to disruption of the initiator methionine. This variant is expected to result in nonsense mediated decay, truncation, or a dysfunctional protein product. This variant is rare in the general population with a frequency below the threshold expected for the associated phenotype(s). Given the available evidence, this variant is classified as Likely Pathogenic.